The following is an entry in ClinVar:

ClinVar aggregate classification (germline): Uncertain significance. Review status: criteria provided, multiple submitters, no conflicts (2 of 4 stars). 2 submissions from 2 submitters: Uncertain significance (2). Last evaluated 2025-12-02.

gnomAD v4.1: 1 of 1,202,031 alleles (0.000083%); highest among the groups gnomAD compares: Non-Finnish European, 0.00011%; no homozygotes.

Submissions (2):

Ambry Genetics
Classification: Uncertain significance. Last evaluated: 2025-12-02. Review status: criteria provided, single submitter. Criteria: Ambry Variant Classification Scheme 2023. Collection method: clinical testing. Allele origin: germline.

GeneDx
Classification: Uncertain significance. Last evaluated: 2023-07-31. Review status: criteria provided, single submitter. Criteria: GeneDx Variant Classification Process June 2021. Collection method: clinical testing. Allele origin: germline. Affected: yes.
Comment: Not observed at significant frequency in large population cohorts (gnomAD); In silico analysis supports that this missense variant has a deleterious effect on protein structure/function; Has not been previously published as pathogenic or benign to our knowledge

NM_014008.5(CCDC22):c.837G>C (p.Trp279Cys)

Gene: CCDC22 (CCC complex scaffolding subunit CCDC22; plus strand). Cytogenetic location: Xp11.23.
Variant type: single nucleotide variant.
Coding change: c.837G>C on transcript NM_014008.5 (MANE Select); coding-DNA position 837, G replaced by C.
Protein change: p.Trp279Cys; replaces tryptophan 279 with cysteine.
Molecular consequence: missense variant.
Genome position (GRCh38, 1-based): chrX:49,246,853, G>C. VCF-style: chrX-49246853-G-C. GRCh37 (hg19) VCF-style: chrX-49103314-G-C.
Other names: short protein forms W279C.
Identifiers: ClinVar variation 3361509 (VCV003361509.2).